The following is an entry in ClinVar:

ClinVar aggregate classification (germline): Uncertain significance (1 of 4 stars; one submission).

Allele frequency attached by ClinVar (database versions not stated): TOPMed below 0.00001; gnomAD 0.00001.

Submission:

Women's Health and Genetics/Laboratory Corporation of America, LabCorp
Classification: Uncertain significance. Last evaluated: 2018-05-17. Review status: criteria provided, single submitter. Criteria: LabCorp Variant Classification Summary - May 2015. Collection method: clinical testing. Allele origin: germline.
Comment: Variant summary: CD3E c.281G>C (p.Gly94Ala) results in a non-conservative amino acid change located in the Immunoglobulin subtype 2 domain (IPR003598) of the encoded protein sequence. Four of five in-silico tools predict a damaging effect of the variant on protein function. The variant was absent in 121270 control chromosomes (ExAC). The available data on variant occurrences in the general population are insufficient to allow any conclusion about variant significance. To our knowledge, no occurrence of c.281G>C in individuals affected with Severe Combined Immunodeficiency Syndrome and no experimental evidence demonstrating its impact on protein function have been reported. No clinical diagnostic laboratories have submitted clinical-significance assessments for this variant to ClinVar after 2014. Based on the evidence outlined above, the variant was classified as uncertain significance.

NM_000733.4(CD3E):c.281G>C (p.Gly94Ala)

Gene: CD3E (CD3 epsilon subunit of T-cell receptor complex; plus strand). Cytogenetic location: 11q23.3.
Variant type: single nucleotide variant.
Coding change: c.281G>C on transcript NM_000733.4 (MANE Select); coding-DNA position 281, G replaced by C.
Protein change: p.Gly94Ala; replaces glycine 94 with alanine.
Molecular consequence: missense variant.
Genome position (GRCh38, 1-based): chr11:118,312,795, G>C. VCF-style: chr11-118312795-G-C. GRCh37 (hg19) VCF-style: chr11-118183510-G-C.
Other names: short protein forms G94A.
Identifiers: ClinVar variation 632739 (VCV000632739.1), dbSNP rs1565511330, ClinGen allele CA382782687.
Genomic context (GRCh38, chr11:118,312,795, plus strand): 5'-ACATAGGCAGTGATGAGGATCACCTGTCACTGAAGGAATTTTCAGAATTGGAGCAAAGTG[G>C]TTATTATGTCTGCTACCCCAGAGGAAGCAAACCAGAAGATGCGAACTTTTATCTCTACCT-3'
Protein context (NP_000724.1, residues 84-104): LKEFSELEQS[Gly94Ala]YYVCYPRGSK